The following is an entry in ClinVar:

NM_004168.4(SDHA):c.982G>C (p.Glu328Gln)

Gene: SDHA (succinate dehydrogenase complex flavoprotein subunit A; plus strand). Cytogenetic location: 5p15.33.
Variant type: single nucleotide variant.
Coding change: c.982G>C on transcript NM_004168.4 (MANE Select); coding-DNA position 982, G replaced by C.
Protein change: p.Glu328Gln; replaces glutamic acid 328 with glutamine.
Molecular consequence: missense variant.
Genome position (GRCh38, 1-based): chr5:233,563, G>C. VCF-style: chr5-233563-G-C. GRCh37 (hg19) VCF-style: chr5-233678-G-C.
Other names: c.838G>C, p.Glu280Gln (NM_001294332.2); c.982G>C, p.Glu328Gln (NM_001330758.2); short protein forms E280Q, E328Q.
Identifiers: ClinVar variation 1463989 (VCV001463989.8), dbSNP rs778297896, ClinGen allele CA3173052.
Genomic context (GRCh38, chr5:233,563, plus strand): 5'-ACGGAAGGATGTCGTGGAGAGGGAGGCATTCTCATTAACAGTCAAGGCGAAAGGTTTATG[G>C]AGCGATACGCCCCTGTCGCGAAGGACCTGGCGTCTAGAGATGTGGTGTCTCGGTCCATGA-3'
Protein context (NP_004159.2, residues 318-338): LINSQGERFM[Glu328Gln]RYAPVAKDLA

ClinVar aggregate classification (germline): Uncertain significance (1 of 4 stars; one submission).

Conditions:
Mitochondrial complex II deficiency, nuclear type 1. Also called: SUCCINATE CoQ REDUCTASE DEFICIENCY. Identifiers: Orphanet 3208, MedGen C5700310, MONDO:0100294, OMIM 252011.
Pheochromocytoma/paraganglioma syndrome 5. Also called: Paragangliomas 5; SDHA-Related Hereditary Paraganglioma-Pheochromocytoma Syndrome. Identifiers: Orphanet 29072, MedGen C3279992, MONDO:0013602, OMIM 614165.

Allele frequency attached by ClinVar (database versions not stated): gnomAD 0.00001; 1000 Genomes Project 30x 0.00016.
gnomAD v4.1: 2 of 1,614,222 alleles (0.00012%); highest among the groups gnomAD compares: Admixed American, 0.0017%; no homozygotes.

Submission:

Labcorp Genetics (formerly Invitae), Labcorp
Classification: Uncertain significance for Pheochromocytoma/paraganglioma syndrome 5; Mitochondrial complex II deficiency, nuclear type 1. Last evaluated: 2022-10-07. Review status: criteria provided, single submitter. Criteria: Invitae Variant Classification Sherloc (09022015). Collection method: clinical testing. Allele origin: germline.
Comment: This variant is present in population databases (rs778297896, gnomAD 0.003%). This variant has not been reported in the literature in individuals affected with SDHA-related conditions. ClinVar contains an entry for this variant (Variation ID: 1463989). Advanced modeling of protein sequence and biophysical properties (such as structural, functional, and spatial information, amino acid conservation, physicochemical variation, residue mobility, and thermodynamic stability) performed at Invitae indicates that this missense variant is not expected to disrupt SDHA protein function. In summary, the available evidence is currently insufficient to determine the role of this variant in disease. Therefore, it has been classified as a Variant of Uncertain Significance. This sequence change replaces glutamic acid, which is acidic and polar, with glutamine, which is neutral and polar, at codon 328 of the SDHA protein (p.Glu328Gln).